The following is an entry in ClinVar:

NM_000726.5(CACNB4):c.618+4A>C

Gene: CACNB4 (calcium voltage-gated channel auxiliary subunit beta 4; minus strand). Cytogenetic location: 2q23.3.
Variant type: single nucleotide variant.
Coding change: c.618+4A>C on transcript NM_000726.5 (MANE Select); 4 bases into the intron after coding-DNA position 618, A replaced by C.
Molecular consequence: intron variant.
Genome position (GRCh38, 1-based): chr2:151,870,838, T>G on the plus strand (A>C on the coding strand, the complement: CACNB4 is on the minus strand). VCF-style: chr2-151870838-T-G. GRCh37 (hg19) VCF-style: chr2-152727352-T-G.
Other names: c.618+4A>C (NM_001145798.2); c.545-227A>C (NM_001330113.2); c.564+4A>C (NM_001005746.4); c.497-227A>C (NM_001330115.2); c.516+4A>C (NM_001005747.4); c.458-227A>C (NM_001330116.2); c.-36-227A>C (NM_001330114.2); c.477+4A>C (NM_001320722.3, NM_001330118.1); and 1 more.
Identifiers: ClinVar variation 1036421 (VCV001036421.6), dbSNP rs2099844445, ClinGen allele CA1298378014.

ClinVar aggregate classification (germline): Uncertain significance (1 of 4 stars; one submission).

Conditions:
Idiopathic generalized epilepsy. Also called: EIG; Generalised epilepsy. Identifiers: MedGen C0270850, MONDO:0005579, OMIM 600669.

Submission:

Labcorp Genetics (formerly Invitae), Labcorp
Classification: Uncertain significance for Idiopathic generalized epilepsy. Last evaluated: 2020-06-03. Review status: criteria provided, single submitter. Criteria: Invitae Variant Classification Sherloc (09022015). Collection method: clinical testing. Allele origin: germline.
Comment: This variant is not present in population databases (ExAC no frequency). This variant has not been reported in the literature in individuals with CACNB4-related conditions. Nucleotide substitutions within the consensus splice site are a relatively common cause of aberrant splicing (PMID: 17576681, 9536098). Algorithms developed to predict the effect of sequence changes on RNA splicing suggest that this variant may disrupt the consensus splice site, but this prediction has not been confirmed by published transcriptional studies. In summary, the available evidence is currently insufficient to determine the role of this variant in disease. Therefore, it has been classified as a Variant of Uncertain Significance. This sequence change falls in intron 7 of the CACNB4 gene. It does not directly change the encoded amino acid sequence of the CACNB4 protein, but it affects a nucleotide within the consensus splice site of the intron.

Literature cited by the submitters: PubMed 17576681; PubMed 9536098.